The following is an entry in ClinVar:

ClinVar aggregate classification (germline): Uncertain significance (1 of 4 stars; one submission).

Allele frequency attached by ClinVar (database versions not stated): gnomAD exomes below 0.00001; TOPMed below 0.00001; ExAC 0.00001; gnomAD 0.00001.

Submission:

Labcorp Genetics (formerly Invitae), Labcorp
Classification: Uncertain significance. Last evaluated: 2025-12-24. Review status: criteria provided, single submitter. Criteria: Invitae Variant Classification Sherloc (09022015). Collection method: clinical testing. Allele origin: germline.
Comment: This sequence change replaces valine, which is neutral and non-polar, with isoleucine, which is neutral and non-polar, at codon 101 of the GTPBP2 protein (p.Val101Ile). This variant is present in population databases (rs770981387, gnomAD 0.004%). This variant has not been reported in the literature in individuals affected with GTPBP2-related conditions. ClinVar contains an entry for this variant (Variation ID: 1505308). An algorithm developed to predict the effect of missense changes on protein structure and function (PolyPhen-2) suggests that this variant is likely to be tolerated. In summary, the available evidence is currently insufficient to determine the role of this variant in disease. Therefore, it has been classified as a Variant of Uncertain Significance.

NM_019096.5(GTPBP2):c.301G>A (p.Val101Ile)

Gene: GTPBP2 (GTP binding protein 2; minus strand). Cytogenetic location: 6p21.1.
Variant type: single nucleotide variant.
Coding change: c.301G>A on transcript NM_019096.5 (MANE Select); coding-DNA position 301, G replaced by A.
Protein change: p.Val101Ile; replaces valine 101 with isoleucine.
Molecular consequence: missense variant.
Genome position (GRCh38, 1-based): chr6:43,626,323, C>T on the plus strand (G>A on the coding strand, the complement: GTPBP2 is on the minus strand). VCF-style: chr6-43626323-C-T. GRCh37 (hg19) VCF-style: chr6-43594060-C-T.
Other names: c.37G>A, p.Val13Ile (NM_001286216.2); short protein forms V101I, V13I.
Identifiers: ClinVar variation 1505308 (VCV001505308.5), dbSNP rs770981387, ClinGen allele CA3827829.